The following is an entry in ClinVar:

NM_021098.3(CACNA1H):c.969G>A (p.Thr323=)

Gene: CACNA1H (calcium voltage-gated channel subunit alpha1 H; plus strand). Cytogenetic location: 16p13.3.
Variant type: single nucleotide variant.
Coding change: c.969G>A on transcript NM_021098.3 (MANE Select); coding-DNA position 969, G replaced by A.
Protein change: p.Thr323=; no amino-acid change (threonine 323 retained).
Molecular consequence: synonymous variant.
Genome position (GRCh38, 1-based): chr16:1,200,421, G>A. VCF-style: chr16-1200421-G-A. GRCh37 (hg19) VCF-style: chr16-1250421-G-A.
Other names: c.969G>A, p.Thr323= (NM_001005407.2).
Identifiers: ClinVar variation 1151704 (VCV001151704.15), dbSNP rs564108356, ClinGen allele CA7799724.
Genomic context (GRCh38, chr16:1,200,421, plus strand): 5'-GCACATCCCCGGCCGCCGCGAGCTGCGCATGCCCTGCACCCTGGGCTGGGAGGCCTACAC[G>A]CAGCCGCAGGCCGAGGGGGTGGGCGCTGCACGCAACGCCTGCATCAACTGGAACCAGTAC-3'
Protein context (NP_066921.2, residues 313-333): MPCTLGWEAY[Thr323=]QPQAEGVGAA

ClinVar aggregate classification (germline): Benign/Likely benign. Review status: criteria provided, multiple submitters, no conflicts (2 of 4 stars). 5 submissions from 5 submitters: Benign (1); Likely benign (3). 1 of the submissions does not count toward it. Last evaluated 2025-02-10.

Conditions:
CACNA1H-related disorder.
Idiopathic generalized epilepsy. Also called: EIG; Generalised epilepsy. Identifiers: MedGen C0270850, MONDO:0005579, OMIM 600669.
Hyperaldosteronism, familial, type IV (HALD4). Also called: FH IV; ALDOSTERONISM, PRIMARY, AND HYPERTENSION. Identifiers: Orphanet 642671, MedGen C4310756, MONDO:0014875, OMIM 617027.
Inborn genetic diseases. Identifiers: MedGen C0950123, MeSH D030342.

Allele frequency attached by ClinVar (database versions not stated): gnomAD 0.00001 and 0.00004; 1000 Genomes Project 30x 0.00016; 1000 Genomes Project 0.00020.
gnomAD v4.1: 67 of 1,609,446 alleles (0.0042%); highest among the groups gnomAD compares: South Asian, 0.063%; no homozygotes.

Submissions (5):

Athena Diagnostics
Classification: Benign. Last evaluated: 2025-02-10. Review status: criteria provided, single submitter. Criteria: Athena Diagnostics Criteria. Collection method: clinical testing. Allele origin: unknown.
Comment: The frequency of this variant in the general population is higher than would generally be expected for pathogenic variants in this gene. Computational tools yielded predictions that this variant is unlikely to have an effect on normal RNA splicing. This nucleotide position exhibits low evolutionary conservation.

Labcorp Genetics (formerly Invitae), Labcorp
Classification: Likely benign for Idiopathic generalized epilepsy; Hyperaldosteronism, familial, type IV. Last evaluated: 2024-02-24. Review status: criteria provided, single submitter. Criteria: Invitae Variant Classification Sherloc (09022015). Collection method: clinical testing. Allele origin: germline.

Blueprint Genetics
Classification: Likely benign. Last evaluated: 2023-11-08. Review status: criteria provided, single submitter. Criteria: ACMG Guidelines, 2015. Collection method: clinical testing. Allele origin: germline.

Ambry Genetics
Classification: Likely benign for Inborn genetic diseases. Last evaluated: 2019-10-23. Review status: criteria provided, single submitter. Criteria: Ambry Variant Classification Scheme 2023. Collection method: clinical testing. Allele origin: germline.

PreventionGenetics, part of Exact Sciences
Classification: Likely benign for CACNA1H-related condition. Last evaluated: 2019-10-28. Review status: no assertion criteria provided. Collection method: clinical testing. Allele origin: germline. Not counted in ClinVar's aggregate classification.
Comment: This variant is classified as likely benign based on ACMG/AMP sequence variant interpretation guidelines (Richards et al. 2015 PMID: 25741868, with internal and published modifications).